The following is an entry in ClinVar:

ClinVar aggregate classification (germline): Uncertain significance (1 of 4 stars; one submission).

Allele frequency attached by ClinVar (database versions not stated): TOPMed below 0.00001; gnomAD 0.00001.
gnomAD v4.1: 1 of 1,612,744 alleles (0.000062%); highest among the groups gnomAD compares: African/African-American, 0.0013%; no homozygotes.

Submission:

Ambry Genetics
Classification: Uncertain significance. Last evaluated: 2024-02-11. Review status: criteria provided, single submitter. Criteria: Ambry Variant Classification Scheme 2023. Collection method: clinical testing. Allele origin: germline.
Comment: The p.G1004E variant (also known as c.3011G>A) is located in coding exon 16 of the NPAT gene. The glycine at codon 1004 is replaced by glutamic acid, an amino acid with similar properties. This change occurs in the first base pair of coding exon 16. This amino acid position is conserved. In addition, the in silico prediction for this alteration is inconclusive. Based on the available evidence, the clinical significance of this alteration remains unclear.

NM_002519.3(NPAT):c.3011G>A (p.Gly1004Glu)

Gene: NPAT (nuclear protein, coactivator of histone transcription; minus strand). Cytogenetic location: 11q22.3.
Variant type: single nucleotide variant.
Coding change: c.3011G>A on transcript NM_002519.3 (MANE Select); coding-DNA position 3011, G replaced by A.
Protein change: p.Gly1004Glu; replaces glycine 1004 with glutamic acid.
Molecular consequence: missense variant.
Genome position (GRCh38, 1-based): chr11:108,162,180, C>T on the plus strand (G>A on the coding strand, the complement: NPAT is on the minus strand). VCF-style: chr11-108162180-C-T. GRCh37 (hg19) VCF-style: chr11-108032907-C-T.
Other names: c.3011G>A, p.Gly1004Glu (NM_001321307.1); short protein forms G1004E.
Identifiers: ClinVar variation 3222569 (VCV003222569.1), dbSNP rs1185480509, ClinGen allele CA382511735.